The following is an entry in ClinVar:

ClinVar aggregate classification (germline): Uncertain significance. Review status: criteria provided, multiple submitters, no conflicts (2 of 4 stars). 4 submissions from 4 submitters: Uncertain significance (3). 1 of the submissions does not count toward it. Last evaluated 2026-01-05.

Conditions:
Hereditary cancer-predisposing syndrome. Also called: Neoplastic Syndromes, Hereditary; Tumor predisposition; Hereditary Cancer Syndrome; Hereditary neoplastic syndrome. Identifiers: Orphanet 140162, MedGen C0027672, MeSH D009386, MONDO:0015356.
MSH3-related disorder. Also called: MSH3-related condition.
Endometrial carcinoma. Also called: Endometrial carcinoma, somatic. Identifiers: MedGen C0476089, MONDO:0002447, OMIM 608089, HP:0012114.

Allele frequency attached by ClinVar (database versions not stated): ExAC 0.00001; gnomAD 0.00001; gnomAD exomes 0.00001; TOPMed 0.00001.
gnomAD v4.1: 28 of 1,613,962 alleles (0.0017%); highest among the groups gnomAD compares: East Asian, 0.0022%; no homozygotes.

Submissions (4):

Labcorp Genetics (formerly Invitae), Labcorp
Classification: Uncertain significance. Last evaluated: 2026-01-05. Review status: criteria provided, single submitter. Criteria: Invitae Variant Classification Sherloc (09022015). Collection method: clinical testing. Allele origin: germline.
Comment: This sequence change replaces arginine, which is basic and polar, with histidine, which is basic and polar, at codon 411 of the MSH3 protein (p.Arg411His). This variant is present in population databases (rs764885728, gnomAD 0.003%). This missense change has been observed in individual(s) with endometrial cancer (PMID: 32634176). ClinVar contains an entry for this variant (Variation ID: 648131). An algorithm developed to predict the effect of missense changes on protein structure and function (PolyPhen-2) suggests that this variant is likely to be disruptive. In summary, the available evidence is currently insufficient to determine the role of this variant in disease. Therefore, it has been classified as a Variant of Uncertain Significance.

Ambry Genetics
Classification: Uncertain significance for Hereditary cancer-predisposing syndrome. Last evaluated: 2025-04-17. Review status: criteria provided, single submitter. Criteria: Ambry Variant Classification Scheme 2023. Collection method: clinical testing. Allele origin: germline.
Comment: The p.R411H variant (also known as c.1232G>A), located in coding exon 8 of the MSH3 gene, results from a G to A substitution at nucleotide position 1232. The arginine at codon 411 is replaced by histidine, an amino acid with highly similar properties. This alteration has been detected in a cohort of 199 unselected endometrial cancer patients (Singh AK et al. PLoS One, 2020 Jul;15:e0235613). This amino acid position is highly conserved in available vertebrate species. In addition, the in silico prediction for this alteration is inconclusive. Based on the available evidence, the clinical significance of this variant remains unclear.

Baylor Genetics
Classification: Uncertain significance for Endometrial carcinoma. Last evaluated: 2023-08-21. Review status: criteria provided, single submitter. Criteria: ACMG Guidelines, 2015. Collection method: clinical testing. Allele origin: unknown.

PreventionGenetics, part of Exact Sciences
Classification: Uncertain significance for MSH3-related condition. Last evaluated: 2024-04-04. Review status: no assertion criteria provided. Collection method: clinical testing. Allele origin: germline. Not counted in ClinVar's aggregate classification.
Comment: The MSH3 c.1232G>A variant is predicted to result in the amino acid substitution p.Arg411His. This variant was reported in an individual with endometrial cancer (Table 2. Singh et al 2020. PubMed ID: 32634176). This variant is reported in 0.0033% of alleles in individuals of South Asian descent in gnomAD and is reported in ClinVar by several outside laboratories as uncertain. At this time, the clinical significance of this variant is uncertain due to the absence of conclusive functional and genetic evidence.

Literature cited by the submitters: PubMed 32634176 (cited by Labcorp Genetics (formerly Invitae), Labcorp and Ambry Genetics).

NM_002439.5(MSH3):c.1232G>A (p.Arg411His)

Gene: MSH3 (mutS homolog 3; plus strand). Cytogenetic location: 5q14.1.
Variant type: single nucleotide variant.
Coding change: c.1232G>A on transcript NM_002439.5 (MANE Select); coding-DNA position 1232, G replaced by A.
Protein change: p.Arg411His; replaces arginine 411 with histidine.
Molecular consequence: missense variant.
Genome position (GRCh38, 1-based): chr5:80,678,985, G>A. VCF-style: chr5-80678985-G-A. GRCh37 (hg19) VCF-style: chr5-79974804-G-A.
Other names: short protein forms R411H.
Identifiers: ClinVar variation 648131 (VCV000648131.13), dbSNP rs764885728, ClinGen allele CA3327837.